The following is an entry in ClinVar:

ClinVar aggregate classification (germline): Pathogenic (1 of 4 stars; one submission).

Conditions:
Ataxia-telangiectasia syndrome (AT). Also called: Ataxia-telangiectasia, complementation group D; LOUIS-BAR SYNDROME; ATAXIA-TELANGIECTASIA, COMPLEMENTATION GROUP A; ATAXIA-TELANGIECTASIA, FRESNO VARIANT; Ataxia telangiectasia (A-T); Cerebello-oculocutaneous telangiectasia. Identifiers: Orphanet 100, MedGen C0004135, MONDO:0008840, OMIM 208900.

Submission:

Labcorp Genetics (formerly Invitae), Labcorp
Classification: Pathogenic for Ataxia-telangiectasia syndrome. Last evaluated: 2024-07-03. Review status: criteria provided, single submitter. Criteria: Invitae Variant Classification Sherloc (09022015). Collection method: clinical testing. Allele origin: germline.
Comment: This sequence change creates a premature translational stop signal (p.Glu26*) in the ATM gene. It is expected to result in an absent or disrupted protein product. Loss-of-function variants in ATM are known to be pathogenic (PMID: 23807571, 25614872). This variant is not present in population databases (gnomAD no frequency). This variant has not been reported in the literature in individuals affected with ATM-related conditions. For these reasons, this variant has been classified as Pathogenic.

Literature cited by the submitters: PubMed 23807571; PubMed 25614872.

NM_000051.4(ATM):c.76G>T (p.Glu26Ter)

Gene: ATM (ATM serine/threonine kinase; plus strand). Cytogenetic location: 11q22.3.
Variant type: single nucleotide variant.
Coding change: c.76G>T on transcript NM_000051.4 (MANE Select); coding-DNA position 76, G replaced by T.
Protein change: p.Glu26Ter; replaces glutamic acid 26 with a stop codon.
Molecular consequence: nonsense.
Genome position (GRCh38, 1-based): chr11:108,227,779, G>T. VCF-style: chr11-108227779-G-T. GRCh37 (hg19) VCF-style: chr11-108098506-G-T.
Other names: c.76G>T, p.Glu26Ter (NM_001351834.2, NM_001351835.2, NM_001351836.2); short protein forms E26*.
Identifiers: ClinVar variation 2765171 (VCV002765171.3), dbSNP rs730881361, ClinGen allele CA382519475.